The following is an entry in ClinVar:

NM_017763.6(RNF43):c.1815C>G (p.Ala605=)

Gene: RNF43 (ring finger protein 43; minus strand). Cytogenetic location: 17q22.
Variant type: single nucleotide variant.
Coding change: c.1815C>G on transcript NM_017763.6 (MANE Select); coding-DNA position 1815, C replaced by G.
Protein change: p.Ala605=; no amino-acid change (alanine 605 retained).
Molecular consequence: synonymous variant.
Genome position (GRCh38, 1-based): chr17:58,357,961, G>C on the plus strand (C>G on the coding strand, the complement: RNF43 is on the minus strand). VCF-style: chr17-58357961-G-C. GRCh37 (hg19) VCF-style: chr17-56435322-G-C.
Other names: c.1815C>G, p.Ala605= (NM_001305544.3, NM_001438820.1, NM_001438821.1 and 1 more transcripts); c.1434C>G, p.Ala478= (NM_001305545.2, NM_001437987.1).
Identifiers: ClinVar variation 5042357 (VCV005042357.1).

ClinVar aggregate classification (germline): Benign (1 of 4 stars; one submission).

Conditions:
Sessile serrated polyposis cancer syndrome (SSPCS). Identifiers: Orphanet 157798, MedGen C4310714, MONDO:0014919, OMIM 617108.

Submission:

Myriad Genetics, Inc.
Classification: Benign for Sessile serrated polyposis cancer syndrome. Last evaluated: 2026-07-02. Review status: criteria provided, single submitter. Criteria: Myriad Autosomal Dominant, Autosomal Recessive and X-Linked Classification Criteria (2023). Collection method: clinical testing. Allele origin: unknown.
Comment: This variant is considered benign. This variant is a silent/synonymous amino acid change and it is not expected to impact splicing.